The following is an entry in ClinVar:

NM_020822.3(KCNT1):c.1233G>C (p.Glu411Asp)

Gene: KCNT1 (potassium sodium-activated channel subfamily T member 1; plus strand). Cytogenetic location: 9q34.3.
Variant type: single nucleotide variant.
Coding change: c.1233G>C on transcript NM_020822.3 (MANE Select); coding-DNA position 1233, G replaced by C.
Protein change: p.Glu411Asp; replaces glutamic acid 411 with aspartic acid.
Molecular consequence: missense variant.
Genome position (GRCh38, 1-based): chr9:135,765,656, G>C. VCF-style: chr9-135765656-G-C. GRCh37 (hg19) VCF-style: chr9-138657502-G-C.
Other names: c.1098G>C, p.Glu366Asp (NM_001272003.2); short protein forms E411D, E366D.
Identifiers: ClinVar variation 2939387 (VCV002939387.3), dbSNP rs751890981, ClinGen allele CA5326832.

ClinVar aggregate classification (germline): Uncertain significance (1 of 4 stars; one submission).

Conditions:
Autosomal dominant nocturnal frontal lobe epilepsy 5. Also called: Epilepsy, nocturnal frontal lobe, 5; CILIARY DYSKINESIA, PRIMARY, 28, WITHOUT SITUS INVERSUS; CILIARY DYSKINESIA, PRIMARY, 28, WITH SITUS INVERSUS; KCNT1-Related Epilepsy. Identifiers: Orphanet 98784, MedGen C3554306, MONDO:0014002, OMIM 615005.
Developmental and epileptic encephalopathy, 14 (DEE14). Also called: Early infantile epileptic encephalopathy 14. Identifiers: Orphanet 293181, MedGen C3554195, MONDO:0013989, OMIM 614959.

Allele frequency attached by ClinVar (database versions not stated): TOPMed below 0.00001; gnomAD exomes 0.00001; ExAC 0.00002.
gnomAD v4.1: 3 of 1,611,180 alleles (0.00019%); highest among the groups gnomAD compares: Admixed American, 0.005%; no homozygotes.

Submission:

Labcorp Genetics (formerly Invitae), Labcorp
Classification: Uncertain significance for Autosomal dominant nocturnal frontal lobe epilepsy 5; Developmental and epileptic encephalopathy, 14. Last evaluated: 2025-12-09. Review status: criteria provided, single submitter. Criteria: Invitae Variant Classification Sherloc (09022015). Collection method: clinical testing. Allele origin: germline.
Comment: This sequence change replaces glutamic acid, which is acidic and polar, with aspartic acid, which is acidic and polar, at codon 411 of the KCNT1 protein (p.Glu411Asp). This variant is present in population databases (rs751890981, gnomAD 0.006%). This variant has not been reported in the literature in individuals affected with KCNT1-related conditions. ClinVar contains an entry for this variant (Variation ID: 2939387). Invitae Evidence Modeling of protein sequence and biophysical properties (such as structural, functional, and spatial information, amino acid conservation, physicochemical variation, residue mobility, and thermodynamic stability) indicates that this missense variant is not expected to disrupt KCNT1 protein function with a negative predictive value of 80%. In summary, the available evidence is currently insufficient to determine the role of this variant in disease. Therefore, it has been classified as a Variant of Uncertain Significance.